The following is an entry in ClinVar:

ClinVar aggregate classification (germline): Pathogenic. Review status: criteria provided, single submitter (1 of 4 stars). 2 submissions from 2 submitters: Pathogenic (1). 1 of the submissions does not count toward it. Last evaluated 2023-04-05.

Conditions:
Arthrogryposis, cleft palate, craniosynostosis, and impaired intellectual development. Identifiers: Orphanet 565858, MedGen C4748872, MONDO:0032642, OMIM 618265.

Submissions (2):

Labcorp Genetics (formerly Invitae), Labcorp
Classification: Pathogenic. Last evaluated: 2023-04-05. Review status: criteria provided, single submitter. Criteria: Invitae Variant Classification Sherloc (09022015). Collection method: clinical testing. Allele origin: germline.
Comment: This sequence change replaces alanine, which is neutral and non-polar, with threonine, which is neutral and polar, at codon 473 of the PPP3CA protein (p.Ala473Thr). This variant is not present in population databases (gnomAD no frequency). This missense change has been observed in individual(s) with clinical features of PPP3CA-related conditions (PMID: 29432562). In at least one individual the variant was observed to be de novo. ClinVar contains an entry for this variant (Variation ID: 599241). Advanced modeling of protein sequence and biophysical properties (such as structural, functional, and spatial information, amino acid conservation, physicochemical variation, residue mobility, and thermodynamic stability) performed at Invitae indicates that this missense variant is not expected to disrupt PPP3CA protein function. Experimental studies have shown that this missense change affects PPP3CA function (PMID: 29432562). This variant disrupts the p.Ala473 amino acid residue in PPP3CA. Other variant(s) that disrupt this residue have been determined to be pathogenic (PMID: 33963760). This suggests that this residue is clinically significant, and that variants that disrupt this residue are likely to be disease-causing. For these reasons, this variant has been classified as Pathogenic.

OMIM
Classification: Pathogenic for ARTHROGRYPOSIS, CLEFT PALATE, CRANIOSYNOSTOSIS, AND IMPAIRED INTELLECTUAL DEVELOPMENT. Last evaluated: 2019-01-02. Review status: no assertion criteria provided. Collection method: literature only. Allele origin: germline. Not counted in ClinVar's aggregate classification.

Literature cited by the submitters: PubMed 29432562 (cited by Labcorp Genetics (formerly Invitae), Labcorp and OMIM); PubMed 33963760 (cited by Labcorp Genetics (formerly Invitae), Labcorp).

NM_000944.5(PPP3CA):c.1417G>A (p.Ala473Thr)

Gene: PPP3CA (protein phosphatase 3 catalytic subunit alpha; minus strand). Cytogenetic location: 4q24.
Variant type: single nucleotide variant.
Coding change: c.1417G>A on transcript NM_000944.5 (MANE Select); coding-DNA position 1417, G replaced by A.
Protein change: p.Ala473Thr; replaces alanine 473 with threonine.
Molecular consequence: missense variant.
Genome position (GRCh38, 1-based): chr4:101,026,014, C>T on the plus strand (G>A on the coding strand, the complement: PPP3CA is on the minus strand). VCF-style: chr4-101026014-C-T. GRCh37 (hg19) VCF-style: chr4-101947171-C-T.
Other names: c.1387G>A, p.Ala463Thr (NM_001130691.2); c.1261G>A, p.Ala421Thr (NM_001130692.2); short protein forms A473T, A421T, A463T.
Identifiers: ClinVar variation 599241 (VCV000599241.5), dbSNP rs1560567337, ClinGen allele CA357947743.